The following is an entry in ClinVar:

ClinVar aggregate classification (germline): Uncertain significance (1 of 4 stars; one submission).

Conditions:
EPHX1-related disorder. Also called: EPHX1-related condition.

gnomAD v4.1: 10 of 1,613,824 alleles (0.00062%); highest among the groups gnomAD compares: East Asian, 0.0045%; no homozygotes.

Submission:

PreventionGenetics, part of Exact Sciences
Classification: Uncertain significance for EPHX1-related condition. Last evaluated: 2024-12-09. Review status: criteria provided, single submitter. Criteria: ACMG Guidelines, 2015. Collection method: clinical testing. Allele origin: germline.
Comment: The EPHX1 c.1012C>T variant is predicted to result in premature protein termination (p.Arg338*). To our knowledge, this variant has not been reported in the literature. This variant is reported in 0.0018% of alleles in individuals of European (Non-Finnish) descent in gnomAD. Loss of function is not an established mechanism of EPHX1-related disease. At this time, the clinical significance of this variant is uncertain due to the absence of conclusive functional and genetic evidence.

NM_001136018.4(EPHX1):c.1012C>T (p.Arg338Ter)

Genes: EPHX1 (epoxide hydrolase 1; plus strand), TMEM63A (transmembrane protein 63A; minus strand). Cytogenetic location: 1q42.12.
Variant type: single nucleotide variant.
Coding change: c.1012C>T on transcript NM_001136018.4 (MANE Select); coding-DNA position 1012, C replaced by T.
Protein change: p.Arg338Ter; replaces arginine 338 with a stop codon.
Molecular consequence: nonsense. On other transcripts: non-coding transcript variant (3).
Genome position (GRCh38, 1-based): chr1:225,842,446, C>T. VCF-style: chr1-225842446-C-T. GRCh37 (hg19) VCF-style: chr1-226030147-C-T.
Other names: c.1012C>T, p.Arg338Ter (NM_000120.4, NM_001291163.2, NM_001378426.1 and 1 more transcripts); c.985C>T, p.Arg329Ter (NM_001378428.1); c.964C>T, p.Arg322Ter (NM_001378429.1, NM_001378430.1); c.784C>T, p.Arg262Ter (NM_001378431.1); c.445C>T, p.Arg149Ter (NM_001378432.1); short protein forms R322*, R329*, R338*, R149*, R262*.
Identifiers: ClinVar variation 4981664 (VCV004981664.1).